The following is an entry in ClinVar:

NM_000742.4(CHRNA2):c.1583T>C (p.Met528Thr)

Gene: CHRNA2 (cholinergic receptor nicotinic alpha 2 subunit; minus strand). Cytogenetic location: 8p21.2.
Variant type: single nucleotide variant.
Coding change: c.1583T>C on transcript NM_000742.4 (MANE Select); coding-DNA position 1583, T replaced by C.
Protein change: p.Met528Thr; replaces methionine 528 with threonine.
Molecular consequence: missense variant.
Genome position (GRCh38, 1-based): chr8:27,461,636, A>G on the plus strand (T>C on the coding strand, the complement: CHRNA2 is on the minus strand). VCF-style: chr8-27461636-A-G. GRCh37 (hg19) VCF-style: chr8-27319153-A-G.
Other names: c.1538T>C, p.Met513Thr (NM_001282455.2); c.1106T>C, p.Met369Thr (NM_001347705.2, NM_001347706.2); c.989T>C, p.Met330Thr (NM_001347707.2, NM_001347708.2); short protein forms M330T, M528T, M369T, M513T.
Identifiers: ClinVar variation 1394348 (VCV001394348.8), dbSNP rs1812490479, ClinGen allele CA370806613.

ClinVar aggregate classification (germline): Uncertain significance (1 of 4 stars; one submission).

Conditions:
Familial sleep-related hypermotor epilepsy. Also called: Autosomal Dominant Sleep-Related Hypermotor (Hyperkinetic) Epilepsy. Identifiers: Orphanet 98784, MedGen C3696898, MONDO:0000030.

Submission:

Labcorp Genetics (formerly Invitae), Labcorp
Classification: Uncertain significance. Last evaluated: 2020-12-02. Review status: criteria provided, single submitter. Criteria: Invitae Variant Classification Sherloc (09022015). Collection method: clinical testing. Allele origin: germline.
Comment: In summary, the available evidence is currently insufficient to determine the role of this variant in disease. Therefore, it has been classified as a Variant of Uncertain Significance. Advanced modeling of protein sequence and biophysical properties (such as structural, functional, and spatial information, amino acid conservation, physicochemical variation, residue mobility, and thermodynamic stability) performed at Invitae indicates that this missense variant is not expected to disrupt CHRNA2 protein function. This variant has not been reported in the literature in individuals with CHRNA2-related conditions. This variant is not present in population databases (ExAC no frequency). This sequence change replaces methionine with threonine at codon 528 of the CHRNA2 protein (p.Met528Thr). The methionine residue is moderately conserved and there is a moderate physicochemical difference between methionine and threonine.